The following is an entry in ClinVar:

ClinVar aggregate classification (germline): Conflicting classifications of pathogenicity. Review status: criteria provided, conflicting classifications (1 of 4 stars). 3 submissions from 3 submitters: Pathogenic (1); Uncertain significance (2). Last evaluated 2023-11-27.

Conditions:
Retinitis pigmentosa 46 (RP46). Also called: RETINITIS PIGMENTOSA, AUTOSOMAL RECESSIVE, IDH3B-RELATED. Identifiers: Orphanet 791, MedGen C2675496, MONDO:0012943, OMIM 612572.

Allele frequency attached by ClinVar (database versions not stated): TOPMed 0.00009.

Submissions (3):

Labcorp Genetics (formerly Invitae), Labcorp
Classification: Pathogenic. Last evaluated: 2023-11-27. Review status: criteria provided, single submitter. Criteria: Invitae Variant Classification Sherloc (09022015). Collection method: clinical testing. Allele origin: germline.
Comment: This sequence change creates a premature translational stop signal (p.Arg12*) in the IDH3B gene. It is expected to result in an absent or disrupted protein product. Loss-of-function variants in IDH3B are known to be pathogenic (PMID: 18806796). This variant is present in population databases (no rsID available, gnomAD 0.004%). This variant has not been reported in the literature in individuals affected with IDH3B-related conditions. ClinVar contains an entry for this variant (Variation ID: 596485). For these reasons, this variant has been classified as Pathogenic.

Fulgent Genetics
Classification: Uncertain significance for Retinitis pigmentosa 46. Last evaluated: 2022-01-13. Review status: criteria provided, single submitter. Criteria: ACMG Guidelines, 2015. Collection method: clinical testing. Allele origin: unknown.

Eurofins Ntd Llc (ga)
Classification: Uncertain significance. Last evaluated: 2018-03-29. Review status: criteria provided, single submitter. Criteria: EGL ClinVar v180209 classification definitions. Collection method: clinical testing. Allele origin: germline. Observed: 1 variant allele, 1 heterozygote.

Literature cited by the submitters: PubMed 18806796 (cited by Labcorp Genetics (formerly Invitae), Labcorp).

NM_006899.5(IDH3B):c.34C>T (p.Arg12Ter)

Gene: IDH3B (isocitrate dehydrogenase (NAD(+)) 3 non-catalytic subunit beta; minus strand). Cytogenetic location: 20p13.
Variant type: single nucleotide variant.
Coding change: c.34C>T on transcript NM_006899.5 (MANE Select); coding-DNA position 34, C replaced by T.
Protein change: p.Arg12Ter; replaces arginine 12 with a stop codon.
Molecular consequence: nonsense. On other transcripts: non-coding transcript variant (1).
Genome position (GRCh38, 1-based): chr20:2,664,155, G>A on the plus strand (C>T on the coding strand, the complement: IDH3B is on the minus strand). VCF-style: chr20-2664155-G-A. GRCh37 (hg19) VCF-style: chr20-2644801-G-A.
Other names: c.34C>T, p.Arg12Ter (NM_001258384.3, NM_001330763.2, NM_174855.4); short protein forms R12*.
Identifiers: ClinVar variation 596485 (VCV000596485.13), dbSNP rs745313320, ClinGen allele CA310885791.